The following is an entry in ClinVar:

ClinVar aggregate classification (germline): Uncertain significance. Review status: criteria provided, single submitter (1 of 4 stars). 2 submissions from 2 submitters: Uncertain significance (1). 1 of the submissions does not count toward it. Last evaluated 2026-01-19.

Conditions:
Neuronal ceroid lipofuscinosis 2. Also called: TPP1-Related Neuronal Ceroid-Lipofuscinosis; JANSKY-BIELSCHOWSKY DISEASE NEURONAL CEROID LIPOFUSCINOSIS, LATE INFANTILE. Identifiers: Orphanet 168491, Orphanet 228349, Orphanet 79264, MedGen C1876161, MONDO:0008769, OMIM 204500.

Allele frequency attached by ClinVar (database versions not stated): gnomAD 0.00001; TOPMed 0.00001.

Submissions (2):

Labcorp Genetics (formerly Invitae), Labcorp
Classification: Uncertain significance. Last evaluated: 2026-01-19. Review status: criteria provided, single submitter. Criteria: Invitae Variant Classification Sherloc (09022015). Collection method: clinical testing. Allele origin: germline.
Comment: This sequence change replaces valine, which is neutral and non-polar, with leucine, which is neutral and non-polar, at codon 461 of the TPP1 protein (p.Val461Leu). This variant is present in population databases (no rsID available, gnomAD 0.007%). This variant has not been reported in the literature in individuals affected with TPP1-related conditions. ClinVar contains an entry for this variant (Variation ID: 1037329). Invitae Evidence Modeling of protein sequence and biophysical properties (such as structural, functional, and spatial information, amino acid conservation, physicochemical variation, residue mobility, and thermodynamic stability) indicates that this missense variant is expected to disrupt TPP1 protein function with a positive predictive value of 95%. In summary, the available evidence is currently insufficient to determine the role of this variant in disease. Therefore, it has been classified as a Variant of Uncertain Significance.

Natera, Inc.
Classification: Uncertain significance for Neuronal ceroid lipofuscinosis 2. Last evaluated: 2021-09-09. Review status: no assertion criteria provided. Collection method: clinical testing. Allele origin: germline. Not counted in ClinVar's aggregate classification.

NM_000391.4(TPP1):c.1381G>T (p.Val461Leu)

Gene: TPP1 (tripeptidyl peptidase 1; minus strand). Cytogenetic location: 11p15.4.
Variant type: single nucleotide variant.
Coding change: c.1381G>T on transcript NM_000391.4 (MANE Select); coding-DNA position 1381, G replaced by T.
Protein change: p.Val461Leu; replaces valine 461 with leucine.
Molecular consequence: missense variant.
Genome position (GRCh38, 1-based): chr11:6,615,215, C>A on the plus strand (G>T on the coding strand, the complement: TPP1 is on the minus strand). VCF-style: chr11-6615215-C-A. GRCh37 (hg19) VCF-style: chr11-6636446-C-A.
Other names: short protein forms V461L.
Identifiers: ClinVar variation 1037329 (VCV001037329.4), dbSNP rs1300168808, ClinGen allele CA379472597.